The following is an entry in ClinVar:

ClinVar aggregate classification (germline): Pathogenic (1 of 4 stars; one submission).

Submission:

GeneDx
Classification: Pathogenic. Last evaluated: 2023-07-17. Review status: criteria provided, single submitter. Criteria: GeneDx Variant Classification Process June 2021. Collection method: clinical testing. Allele origin: germline. Affected: yes.
Comment: Not observed at significant frequency in large population cohorts (gnomAD); In silico analysis supports that this missense variant has a deleterious effect on protein structure/function; This variant is associated with the following publications: (PMID: 30719864)

NM_022455.5(NSD1):c.5182G>C (p.Ala1728Pro)

Gene: NSD1 (nuclear receptor binding SET domain protein 1; plus strand). Cytogenetic location: 5q35.3.
Variant type: single nucleotide variant.
Coding change: c.5182G>C on transcript NM_022455.5 (MANE Select); coding-DNA position 5182, G replaced by C.
Protein change: p.Ala1728Pro; replaces alanine 1728 with proline.
Molecular consequence: missense variant.
Genome position (GRCh38, 1-based): chr5:177,267,597, G>C. VCF-style: chr5-177267597-G-C. GRCh37 (hg19) VCF-style: chr5-176694598-G-C.
Other names: c.4309G>C, p.Ala1437Pro (NM_001365684.2, NM_001409308.1, NM_001409309.1 and 1 more transcripts); c.5182G>C, p.Ala1728Pro (NM_001409301.1, NM_001409302.1, NM_001409303.1); c.4762G>C, p.Ala1588Pro (NM_001409304.1); c.4429G>C, p.Ala1477Pro (NM_001409305.1); c.4420G>C, p.Ala1474Pro (NM_001409306.1, NM_001409307.1); short protein forms A1728P, A1459P, A1588P, A1474P, A1437P, A1477P.
Identifiers: ClinVar variation 379717 (VCV000379717.3), dbSNP rs1057520710, ClinGen allele CA16604874.
Genomic context (GRCh38, chr5:177,267,597, plus strand): 5'-ATGCCACATTTTTTTATTCCCACAGGAGGCAGCCTTCTGTGCTGTGATTCTTGCCCTGCT[G>C]CTTTTCATCGTGAATGCCTGAACATTGATATCCCTGAAGGAAACTGGTATTGCAATGACT-3'
Protein context (NP_071900.2, residues 1718-1738): SLLCCDSCPA[Ala1728Pro]FHRECLNIDI